The following is an entry in ClinVar:

ClinVar aggregate classification (germline): Uncertain significance (1 of 4 stars; one submission).

Submission:

Labcorp Genetics (formerly Invitae), Labcorp
Classification: Uncertain significance. Last evaluated: 2022-10-04. Review status: criteria provided, single submitter. Criteria: Invitae Variant Classification Sherloc (09022015). Collection method: clinical testing. Allele origin: germline.
Comment: In summary, the available evidence is currently insufficient to determine the role of this variant in disease. Therefore, it has been classified as a Variant of Uncertain Significance. Advanced modeling of protein sequence and biophysical properties (such as structural, functional, and spatial information, amino acid conservation, physicochemical variation, residue mobility, and thermodynamic stability) performed at Invitae indicates that this missense variant is not expected to disrupt POC1B protein function. This variant has not been reported in the literature in individuals affected with POC1B-related conditions. This variant is not present in population databases (gnomAD no frequency). This sequence change replaces glycine, which is neutral and non-polar, with aspartic acid, which is acidic and polar, at codon 30 of the POC1B protein (p.Gly30Asp).

NM_172240.3(POC1B):c.89G>A (p.Gly30Asp)

Genes: POC1B (POC1 centriolar protein B; minus strand), POC1B-DUSP6 (POC1B-DUSP6 readthrough; minus strand), POC1B-GALNT4 (POC1B-GALNT4 readthrough; minus strand), LOC130008356 (ATAC-STARR-seq lymphoblastoid silent region 4693; plus strand). Cytogenetic location: 12q21.33.
Variant type: single nucleotide variant.
Coding change: c.89G>A on transcript NM_172240.3 (MANE Select); coding-DNA position 89, G replaced by A.
Protein change: p.Gly30Asp; replaces glycine 30 with aspartic acid.
Molecular consequence: missense variant. On other transcripts: 5 prime UTR variant (1), non-coding transcript variant (2).
Genome position (GRCh38, 1-based): chr12:89,525,131, C>T on the plus strand (G>A on the coding strand, the complement: POC1B is on the minus strand). VCF-style: chr12-89525131-C-T. GRCh37 (hg19) VCF-style: chr12-89918908-C-T.
Other names: c.89G>A, p.Gly30Asp (NM_001199781.2); c.349G>A, p.Ala117Thr (NM_001199782.1); c.-38G>A (NM_001199777.2); short protein forms A117T, G30D.
Identifiers: ClinVar variation 2013146 (VCV002013146.4), dbSNP rs868030435, ClinGen allele CA241201516.